The following is an entry in ClinVar:

NM_002473.6(MYH9):c.4964A>G (p.Asp1655Gly)

Gene: MYH9 (myosin heavy chain 9; minus strand). Cytogenetic location: 22q12.3.
Variant type: single nucleotide variant.
Coding change: c.4964A>G on transcript NM_002473.6 (MANE Select); coding-DNA position 4964, A replaced by G.
Protein change: p.Asp1655Gly; replaces aspartic acid 1655 with glycine.
Molecular consequence: missense variant.
Genome position (GRCh38, 1-based): chr22:36,286,815, T>C on the plus strand (A>G on the coding strand, the complement: MYH9 is on the minus strand). VCF-style: chr22-36286815-T-C. GRCh37 (hg19) VCF-style: chr22-36682861-T-C.
Other names: short protein forms D1655G.
Identifiers: ClinVar variation 1909650 (VCV001909650.24), dbSNP rs1228426500, ClinGen allele CA411374568.
Genomic context (GRCh38, chr22:36,286,815, plus strand): 5'-AGCTTCTTCTCGTTCTCTTTGGCCTGGGCCAGGATCTCCTCACGAGAGGCGCGGGTGTCA[T>C]CCAGCTCGCGCATGCAGTCCTTCATCTGGGCCTGGGGTGGGGACAGAGGCTTGGCACCCC-3'
Protein context (NP_002464.1, residues 1645-1665): AQMKDCMREL[Asp1655Gly]DTRASREEIL

ClinVar aggregate classification (germline): Uncertain significance. Review status: criteria provided, multiple submitters, no conflicts (2 of 4 stars). 3 submissions from 3 submitters: Uncertain significance (3). Last evaluated 2025-12-10.

Conditions:
Autosomal dominant nonsyndromic hearing loss 17. Also called: Autosomal dominant nonsyndromic deafness 17; Deafness, autosomal dominant 17. Identifiers: Orphanet 90635, MedGen C1863659, MONDO:0011350, OMIM 603622.
Macrothrombocytopenia and granulocyte inclusions with or without nephritis or sensorineural hearing loss (MATINS). Also called: MACROTHROMBOCYTOPENIA, NEPHRITIS, AND DEAFNESS; MACROTHROMBOCYTOPENIA, NEPHRITIS, DEAFNESS, AND LEUKOCYTE INCLUSIONS; ALPORT SYNDROME WITH MACROTHROMBOCYTOPENIA; Fechtner syndrome; Epstein syndrome; Giant platelet syndrome with thrombocytopenia. Identifiers: Orphanet 182050, MedGen C5200934, MONDO:0015912, OMIM 155100.

Allele frequency attached by ClinVar (database versions not stated): gnomAD 0.00001; TOPMed 0.00001.
gnomAD v4.1: 12 of 1,610,700 alleles (0.00075%); highest among the groups gnomAD compares: East Asian, 0.0022%; no homozygotes.

Submissions (3):

Labcorp Genetics (formerly Invitae), Labcorp
Classification: Uncertain significance. Last evaluated: 2025-12-10. Review status: criteria provided, single submitter. Criteria: Invitae Variant Classification Sherloc (09022015). Collection method: clinical testing. Allele origin: germline.
Comment: This sequence change replaces aspartic acid, which is acidic and polar, with glycine, which is neutral and non-polar, at codon 1655 of the MYH9 protein (p.Asp1655Gly). This variant is not present in population databases (gnomAD no frequency). This variant has not been reported in the literature in individuals affected with MYH9-related conditions. ClinVar contains an entry for this variant (Variation ID: 1909650). Invitae Evidence Modeling of protein sequence and biophysical properties (such as structural, functional, and spatial information, amino acid conservation, physicochemical variation, residue mobility, and thermodynamic stability) indicates that this missense variant is not expected to disrupt MYH9 protein function with a negative predictive value of 95%. In summary, the available evidence is currently insufficient to determine the role of this variant in disease. Therefore, it has been classified as a Variant of Uncertain Significance.

CeGaT Center for Human Genetics Tuebingen
Classification: Uncertain significance. Last evaluated: 2024-06-01. Review status: criteria provided, single submitter. Criteria: CeGaT Center For Human Genetics Tuebingen Variant Classification Criteria Version 2. Collection method: clinical testing. Allele origin: germline. Affected: yes. Observed: 1 variant allele.
Comment: MYH9: PM2

Fulgent Genetics
Classification: Uncertain significance for Macrothrombocytopenia and granulocyte inclusions with or without nephritis or sensorineural hearing loss; Autosomal dominant nonsyndromic hearing loss 17. Last evaluated: 2024-04-01. Review status: criteria provided, single submitter. Criteria: ACMG Guidelines, 2015. Collection method: clinical testing. Allele origin: germline.